The following is an entry in ClinVar:

NM_000326.5(RLBP1):c.9A>C (p.Glu3Asp)

Gene: RLBP1 (retinaldehyde binding protein 1; minus strand). Cytogenetic location: 15q26.1.
Variant type: single nucleotide variant.
Coding change: c.9A>C on transcript NM_000326.5 (MANE Select); coding-DNA position 9, A replaced by C.
Protein change: p.Glu3Asp; replaces glutamic acid 3 with aspartic acid.
Molecular consequence: missense variant.
Genome position (GRCh38, 1-based): chr15:89,218,967, T>G on the plus strand (A>C on the coding strand, the complement: RLBP1 is on the minus strand). VCF-style: chr15-89218967-T-G. GRCh37 (hg19) VCF-style: chr15-89762198-T-G.
Other names: short protein forms E3D.
Identifiers: ClinVar variation 728238 (VCV000728238.44), dbSNP rs146844731, ClinGen allele CA7722426.

ClinVar aggregate classification (germline): Conflicting classifications of pathogenicity. Review status: criteria provided, conflicting classifications (1 of 4 stars). 5 submissions from 5 submitters: Uncertain significance (1); Likely benign (3). 1 of the submissions does not count toward it. Last evaluated 2026-01-31.

Conditions:
RLBP1-related disorder. Also called: RLBP1-related condition; RLBP1-related disorders. Identifiers: MedGen CN239413.

Allele frequency attached by ClinVar (database versions not stated): gnomAD exomes 0.00023 and 0.00059; ExAC 0.00062; 1000 Genomes Project 0.00200; ESP Exome Variant Server 0.00200; TOPMed 0.00217; gnomAD 0.00221 and 0.00236; 1000 Genomes Project 30x 0.00234.
gnomAD v4.1: 673 of 1,614,108 alleles (0.042%); highest among the groups gnomAD compares: African/African-American, 0.77%; no homozygotes.

Submissions (5):

Labcorp Genetics (formerly Invitae), Labcorp
Classification: Likely benign. Last evaluated: 2026-01-31. Review status: criteria provided, single submitter. Criteria: Invitae Variant Classification Sherloc (09022015). Collection method: clinical testing. Allele origin: germline.

Blueprint Genetics
Classification: Likely benign. Last evaluated: 2024-07-04. Review status: criteria provided, single submitter. Criteria: ACMG Guidelines, 2015. Collection method: clinical testing. Allele origin: germline.

CeGaT Center for Human Genetics Tuebingen
Classification: Likely benign. Last evaluated: 2022-09-01. Review status: criteria provided, single submitter. Criteria: CeGaT Center For Human Genetics Tuebingen Variant Classification Criteria Version 2. Collection method: clinical testing. Allele origin: germline. Affected: yes. Observed: 1 variant allele.
Comment: RLBP1: BP4

ARUP Laboratories, Molecular Genetics and Genomics, ARUP Laboratories
Classification: Uncertain significance. Last evaluated: 2019-04-05. Review status: criteria provided, single submitter. Criteria: ARUP Molecular Germline Variant Investigation Process. Collection method: clinical testing. Allele origin: germline.

PreventionGenetics, part of Exact Sciences
Classification: Benign for RLBP1-related condition. Last evaluated: 2024-08-06. Review status: no assertion criteria provided. Collection method: clinical testing. Allele origin: germline. Not counted in ClinVar's aggregate classification.
Comment: This variant is classified as benign based on ACMG/AMP sequence variant interpretation guidelines (Richards et al. 2015 PMID: 25741868, with internal and published modifications).